The following is an entry in ClinVar:

NM_144672.4(OTOA):c.2207+3G>A

Gene: OTOA (otoancorin). Cytogenetic location: 16p12.2.
Variant type: single nucleotide variant.
Coding change: c.2207+3G>A on transcript NM_144672.4 (MANE Select); 3 bases into the intron after coding-DNA position 2207, G replaced by A.
Molecular consequence: intron variant.
Genome position (GRCh38, 1-based): chr16:21,728,434, G>A. VCF-style: chr16-21728434-G-A. GRCh37 (hg19) VCF-style: chr16-21739755-G-A.
Other names: c.1970+3G>A (NM_001161683.2); c.1235+3G>A (NM_170664.3).
Identifiers: ClinVar variation 1960686 (VCV001960686.2), dbSNP rs775834620, ClinGen allele CA7952912.

ClinVar aggregate classification (germline): Uncertain significance (1 of 4 stars; one submission).

Allele frequency attached by ClinVar (database versions not stated): ExAC 0.00002.
gnomAD v4.1: 9 of 1,613,612 alleles (0.00056%); highest among the groups gnomAD compares: Admixed American, 0.0017%; no homozygotes.

Submission:

Labcorp Genetics (formerly Invitae), Labcorp
Classification: Uncertain significance. Last evaluated: 2022-07-03. Review status: criteria provided, single submitter. Criteria: Invitae Variant Classification Sherloc (09022015). Collection method: clinical testing. Allele origin: germline.
Comment: This sequence change falls in intron 19 of the OTOA gene. It does not directly change the encoded amino acid sequence of the OTOA protein. It affects a nucleotide within the consensus splice site. This variant is present in population databases (rs775834620, gnomAD 0.003%). This variant has not been reported in the literature in individuals affected with OTOA-related conditions. Variants that disrupt the consensus splice site are a relatively common cause of aberrant splicing (PMID: 17576681, 9536098). Algorithms developed to predict the effect of sequence changes on RNA splicing suggest that this variant may create or strengthen a splice site. In summary, the available evidence is currently insufficient to determine the role of this variant in disease. Therefore, it has been classified as a Variant of Uncertain Significance.

Literature cited by the submitters: PubMed 17576681; PubMed 9536098.